The following is an entry in ClinVar:

ClinVar aggregate classification (germline): Conflicting classifications of pathogenicity. Review status: criteria provided, conflicting classifications (1 of 4 stars). 4 submissions from 4 submitters: Uncertain significance (3); Benign (1). Last evaluated 2025-12-30.

Conditions:
Multiple endocrine neoplasia type 4. Also called: MULTIPLE ENDOCRINE NEOPLASIA, TYPE IV. Identifiers: Orphanet 276152, MedGen C1970712, MONDO:0012552, OMIM 610755.
Hereditary cancer-predisposing syndrome. Also called: Hereditary neoplastic syndrome; Neoplastic Syndromes, Hereditary; Tumor predisposition; Hereditary Cancer Syndrome. Identifiers: Orphanet 140162, MedGen C0027672, MeSH D009386, MONDO:0015356.

Allele frequency attached by ClinVar (database versions not stated): gnomAD 0.00003.
gnomAD v4.1: 27 of 1,613,774 alleles (0.0017%); highest among the groups gnomAD compares: Admixed American, 0.005%; no homozygotes.

Submissions (4):

Labcorp Genetics (formerly Invitae), Labcorp
Classification: Uncertain significance for Multiple endocrine neoplasia type 4. Last evaluated: 2025-12-30. Review status: criteria provided, single submitter. Criteria: Invitae Variant Classification Sherloc (09022015). Collection method: clinical testing. Allele origin: germline.
Comment: This sequence change replaces serine, which is neutral and polar, with isoleucine, which is neutral and non-polar, at codon 12 of the CDKN1B protein (p.Ser12Ile). This variant is present in population databases (rs775772074, gnomAD 0.009%). This missense change has been observed in individual(s) with hereditary primary hyperparathyroidism (PMID: 37449924). ClinVar contains an entry for this variant (Variation ID: 469023). An algorithm developed to predict the effect of missense changes on protein structure and function (PolyPhen-2) suggests that this variant is likely to be tolerated. In summary, the available evidence is currently insufficient to determine the role of this variant in disease. Therefore, it has been classified as a Variant of Uncertain Significance.

Baylor Genetics
Classification: Uncertain significance for Multiple endocrine neoplasia type 4. Last evaluated: 2024-01-22. Review status: criteria provided, single submitter. Criteria: ACMG Guidelines, 2015. Collection method: clinical testing. Allele origin: unknown.

Ambry Genetics
Classification: Benign for Hereditary cancer-predisposing syndrome. Last evaluated: 2023-10-26. Review status: criteria provided, single submitter. Criteria: Ambry Variant Classification Scheme 2023. Collection method: clinical testing. Allele origin: germline.

GeneDx
Classification: Uncertain significance. Last evaluated: 2022-11-16. Review status: criteria provided, single submitter. Criteria: GeneDx Variant Classification Process June 2021. Collection method: clinical testing. Allele origin: germline. Affected: yes.
Comment: In silico analysis supports that this missense variant does not alter protein structure/function; Has not been previously published as pathogenic or benign to our knowledge; This variant is associated with the following publications: (PMID: 30181556)

Literature cited by the submitters: PubMed 37449924 (cited by Labcorp Genetics (formerly Invitae), Labcorp).

NM_004064.5(CDKN1B):c.35G>T (p.Ser12Ile)

Gene: CDKN1B (cyclin dependent kinase inhibitor 1B; plus strand). Cytogenetic location: 12p13.1.
Variant type: single nucleotide variant.
Coding change: c.35G>T on transcript NM_004064.5 (MANE Select); coding-DNA position 35, G replaced by T.
Protein change: p.Ser12Ile; replaces serine 12 with isoleucine.
Molecular consequence: missense variant.
Genome position (GRCh38, 1-based): chr12:12,717,874, G>T. VCF-style: chr12-12717874-G-T. GRCh37 (hg19) VCF-style: chr12-12870808-G-T.
Other names: short protein forms S12I.
Identifiers: ClinVar variation 469023 (VCV000469023.15), dbSNP rs775772074, ClinGen allele CA233059580.